The following is an entry in ClinVar:

NM_024580.6(EFL1):c.854A>C (p.Gln285Pro)

Gene: EFL1 (elongation factor like GTPase 1; minus strand). Cytogenetic location: 15q25.2.
Variant type: single nucleotide variant.
Coding change: c.854A>C on transcript NM_024580.6 (MANE Select); coding-DNA position 854, A replaced by C.
Protein change: p.Gln285Pro; replaces glutamine 285 with proline.
Molecular consequence: missense variant. On other transcripts: non-coding transcript variant (1).
Genome position (GRCh38, 1-based): chr15:82,230,849, T>G on the plus strand (A>C on the coding strand, the complement: EFL1 is on the minus strand). VCF-style: chr15-82230849-T-G. GRCh37 (hg19) VCF-style: chr15-82523190-T-G.
Other names: c.701A>C, p.Gln234Pro (NM_001040610.3); c.65A>C, p.Gln22Pro (NM_001322844.2); c.854A>C, p.Gln285Pro (NM_001322845.2); short protein forms Q234P, Q285P, Q22P.
Identifiers: ClinVar variation 1514459 (VCV001514459.5), dbSNP rs2074814129, ClinGen allele CA393278457.

ClinVar aggregate classification (germline): Uncertain significance (1 of 4 stars; one submission).

Allele frequency attached by ClinVar (database versions not stated): gnomAD exomes below 0.00001.
gnomAD v4.1: 2 of 1,610,384 alleles (0.00012%); highest among the groups gnomAD compares: Non-Finnish European, 0.00017%; no homozygotes.

Submission:

Labcorp Genetics (formerly Invitae), Labcorp
Classification: Uncertain significance. Last evaluated: 2022-10-17. Review status: criteria provided, single submitter. Criteria: Invitae Variant Classification Sherloc (09022015). Collection method: clinical testing. Allele origin: germline.
Comment: Algorithms developed to predict the effect of missense changes on protein structure and function (SIFT, PolyPhen-2, Align-GVGD) all suggest that this variant is likely to be tolerated. Algorithms developed to predict the effect of sequence changes on RNA splicing suggest that this variant may create or strengthen a splice site. In summary, the available evidence is currently insufficient to determine the role of this variant in disease. Therefore, it has been classified as a Variant of Uncertain Significance. ClinVar contains an entry for this variant (Variation ID: 1514459). This sequence change replaces glutamine, which is neutral and polar, with proline, which is neutral and non-polar, at codon 285 of the EFL1 protein (p.Gln285Pro). This variant is not present in population databases (gnomAD no frequency). This variant has not been reported in the literature in individuals affected with EFL1-related conditions.